The following is an entry in ClinVar:

ClinVar aggregate classification (germline): Uncertain significance (1 of 4 stars; one submission).

Conditions:
Ehlers-Danlos syndrome, classic type, 1 (EDSCL1). Also called: EHLERS-DANLOS SYNDROME, GRAVIS TYPE; EHLERS-DANLOS SYNDROME, SEVERE CLASSIC TYPE; Ehlers-Danlos syndrome, type 1; Ehlers-Danlos Syndrome, Classic Type, COL5A1-Related; EDS I. Identifiers: MedGen C0268335, MONDO:0019567, OMIM 130000.
Osteogenesis imperfecta type I (OI1). Also called: OI, TYPE I; OSTEOGENESIS IMPERFECTA TARDA; OSTEOGENESIS IMPERFECTA WITH BLUE SCLERAE; Osteogenesis imperfecta type 1; Lobstein's Disease; Lobstein disease. Identifiers: Orphanet 216796, Orphanet 666, MedGen C0023931, MONDO:0008146, OMIM 166200. Disease mechanism: loss of function.

Allele frequency attached by ClinVar (database versions not stated): gnomAD exomes 0.00001.

Submission:

Labcorp Genetics (formerly Invitae), Labcorp
Classification: Uncertain significance for Osteogenesis imperfecta type I; Ehlers-Danlos syndrome, classic type, 1. Last evaluated: 2025-04-17. Review status: criteria provided, single submitter. Criteria: Invitae Variant Classification Sherloc (09022015). Collection method: clinical testing. Allele origin: germline.
Comment: This sequence change replaces proline, which is neutral and non-polar, with leucine, which is neutral and non-polar, at codon 50 of the COL1A2 protein (p.Pro50Leu). This variant is present in population databases (no rsID available, gnomAD 0.007%). This variant has not been reported in the literature in individuals affected with COL1A2-related conditions. ClinVar contains an entry for this variant (Variation ID: 1402259). Invitae Evidence Modeling of protein sequence and biophysical properties (such as structural, functional, and spatial information, amino acid conservation, physicochemical variation, residue mobility, and thermodynamic stability) indicates that this missense variant is not expected to disrupt COL1A2 protein function with a negative predictive value of 95%. In summary, the available evidence is currently insufficient to determine the role of this variant in disease. Therefore, it has been classified as a Variant of Uncertain Significance.

NM_000089.4(COL1A2):c.149C>T (p.Pro50Leu)

Gene: COL1A2 (collagen type I alpha 2 chain; plus strand). Cytogenetic location: 7q21.3.
Variant type: single nucleotide variant.
Coding change: c.149C>T on transcript NM_000089.4 (MANE Select); coding-DNA position 149, C replaced by T.
Protein change: p.Pro50Leu; replaces proline 50 with leucine.
Molecular consequence: missense variant.
Genome position (GRCh38, 1-based): chr7:94,400,212, C>T. VCF-style: chr7-94400212-C-T. GRCh37 (hg19) VCF-style: chr7-94029524-C-T.
Other names: short protein forms P50L.
Identifiers: ClinVar variation 1402259 (VCV001402259.6), dbSNP rs377637698, ClinGen allele CA368219132.